The following is an entry in ClinVar:

ClinVar aggregate classification (germline): Uncertain significance (1 of 4 stars; one submission).

Conditions:
Progressive sclerosing poliodystrophy (MTDPS4A). Also called: Alpers-Huttenlocher Syndrome (AHS); Alpers Syndrome; ALPERS PROGRESSIVE INFANTILE POLIODYSTROPHY; Mitochondrial DNA depletion syndrome 4A (Alpers type); ALPERS DIFFUSE DEGENERATION OF CEREBRAL GRAY MATTER WITH HEPATIC CIRRHOSIS; Alpers-Huttenlocher Syndrome. Identifiers: Orphanet 726, MedGen C0205710, MONDO:0008758, OMIM 203700.

Submission:

Labcorp Genetics (formerly Invitae), Labcorp
Classification: Uncertain significance for Progressive sclerosing poliodystrophy. Last evaluated: 2024-04-01. Review status: criteria provided, single submitter. Criteria: Invitae Variant Classification Sherloc (09022015). Collection method: clinical testing. Allele origin: germline.
Comment: This sequence change replaces alanine, which is neutral and non-polar, with threonine, which is neutral and polar, at codon 518 of the POLG protein (p.Ala518Thr). This variant is not present in population databases (gnomAD no frequency). This missense change has been observed in individual(s) with progressive external ophthalmoplegia (PMID: 33396418). ClinVar contains an entry for this variant (Variation ID: 641933). Advanced modeling of protein sequence and biophysical properties (such as structural, functional, and spatial information, amino acid conservation, physicochemical variation, residue mobility, and thermodynamic stability) performed at Invitae indicates that this missense variant is not expected to disrupt POLG protein function with a negative predictive value of 95%. In summary, the available evidence is currently insufficient to determine the role of this variant in disease. Therefore, it has been classified as a Variant of Uncertain Significance.

Literature cited by the submitters: PubMed 33396418.

NM_002693.3(POLG):c.1552G>A (p.Ala518Thr)

Gene: POLG (DNA polymerase gamma, catalytic subunit; minus strand). Cytogenetic location: 15q26.1.
Variant type: single nucleotide variant.
Coding change: c.1552G>A on transcript NM_002693.3 (MANE Select); coding-DNA position 1552, G replaced by A.
Protein change: p.Ala518Thr; replaces alanine 518 with threonine.
Molecular consequence: missense variant.
Genome position (GRCh38, 1-based): chr15:89,326,945, C>T on the plus strand (G>A on the coding strand, the complement: POLG is on the minus strand). VCF-style: chr15-89326945-C-T. GRCh37 (hg19) VCF-style: chr15-89870176-C-T.
Other names: c.1552G>A, p.Ala518Thr (NM_001126131.2); short protein forms A518T.
Identifiers: ClinVar variation 641933 (VCV000641933.6), dbSNP rs1596358124, ClinGen allele CA393760767.